The following is an entry in ClinVar:

ClinVar aggregate classification (germline): Pathogenic (1 of 4 stars; one submission).

Conditions:
Hereditary cancer-predisposing syndrome. Also called: Hereditary Cancer Syndrome; Hereditary neoplastic syndrome; Neoplastic Syndromes, Hereditary; Tumor predisposition. Identifiers: Orphanet 140162, MedGen C0027672, MeSH D009386, MONDO:0015356.

Submission:

Ambry Genetics
Classification: Pathogenic for Hereditary cancer-predisposing syndrome. Last evaluated: 2025-08-06. Review status: criteria provided, single submitter. Criteria: Ambry Variant Classification Scheme 2023. Collection method: clinical testing. Allele origin: germline.
Comment: The c.951delC pathogenic mutation, located in coding exon 6 of the MSH3 gene, results from a deletion of one nucleotide at nucleotide position 951, causing a translational frameshift with a predicted alternate stop codon (p.I318Lfs*13). This variant is considered to be rare based on population cohorts in the Genome Aggregation Database (gnomAD). This alteration is expected to result in loss of function by premature protein truncation or nonsense-mediated mRNA decay. As such, this alteration is interpreted as a disease-causing mutation.

NM_002439.5(MSH3):c.951del (p.Ile318fs)

Genes: MSH3 (mutS homolog 3; plus strand), LOC126807437 (MED14-independent group 3 enhancer GRCh37_chr5:79968379-79969578; plus strand). Cytogenetic location: 5q14.1.
Variant type: Deletion.
Coding change: c.951del on transcript NM_002439.5 (MANE Select); coding-DNA position 951, one base deleted (C; older notation c.951delC).
Protein change: p.Ile318fs; shifts the reading frame from isoleucine 318.
Molecular consequence: frameshift variant.
Genome position (GRCh38, 1-based): chr5:80,672,782, C deleted; the last of 2 consecutive C bases (chr5:80,672,781-80,672,782); deleting either gives the same sequence. VCF-style (leftmost placement, unchanged base first): chr5-80672780-GC-G. GRCh37 (hg19) VCF-style: chr5-79968599-GC-G.
Other names: short protein forms I318fs.
Identifiers: ClinVar variation 1767249 (VCV001767249.3), dbSNP rs2546722869, ClinGen allele CA2580073578.